The following is an entry in ClinVar:

NM_001711.6(BGN):c.246G>C (p.Lys82Asn)

Gene: BGN (biglycan; plus strand). Cytogenetic location: Xq28.
Variant type: single nucleotide variant.
Coding change: c.246G>C on transcript NM_001711.6 (MANE Select); coding-DNA position 246, G replaced by C.
Protein change: p.Lys82Asn; replaces lysine 82 with asparagine.
Molecular consequence: missense variant.
Genome position (GRCh38, 1-based): chrX:153,505,245, G>C. VCF-style: chrX-153505245-G-C. GRCh37 (hg19) VCF-style: chrX-152770703-G-C.
Other names: short protein forms K82N.
Identifiers: ClinVar variation 1363690 (VCV001363690.6), dbSNP rs2089791026, ClinGen allele CA415068709.

ClinVar aggregate classification (germline): Uncertain significance (1 of 4 stars; one submission).

Allele frequency attached by ClinVar (database versions not stated): gnomAD exomes below 0.00001; TOPMed 0.00004.

Submission:

Labcorp Genetics (formerly Invitae), Labcorp
Classification: Uncertain significance. Last evaluated: 2022-11-08. Review status: criteria provided, single submitter. Criteria: Invitae Variant Classification Sherloc (09022015). Collection method: clinical testing. Allele origin: germline.
Comment: In summary, the available evidence is currently insufficient to determine the role of this variant in disease. Therefore, it has been classified as a Variant of Uncertain Significance. Advanced modeling of protein sequence and biophysical properties (such as structural, functional, and spatial information, amino acid conservation, physicochemical variation, residue mobility, and thermodynamic stability) performed at Invitae indicates that this missense variant is not expected to disrupt BGN protein function. ClinVar contains an entry for this variant (Variation ID: 1363690). This variant has not been reported in the literature in individuals affected with BGN-related conditions. This variant is not present in population databases (gnomAD no frequency). This sequence change replaces lysine, which is basic and polar, with asparagine, which is neutral and polar, at codon 82 of the BGN protein (p.Lys82Asn).